The following is an entry in ClinVar:

NM_004006.3(DMD):c.2116C>A (p.Pro706Thr)

Gene: DMD (dystrophin; minus strand). Cytogenetic location: Xp21.1.
Variant type: single nucleotide variant.
Coding change: c.2116C>A on transcript NM_004006.3 (MANE Select); coding-DNA position 2116, C replaced by A.
Protein change: p.Pro706Thr; replaces proline 706 with threonine.
Molecular consequence: missense variant.
Genome position (GRCh38, 1-based): chrX:32,545,211, G>T on the plus strand (C>A on the coding strand, the complement: DMD is on the minus strand). VCF-style: chrX-32545211-G-T. GRCh37 (hg19) VCF-style: chrX-32563328-G-T.
Other names: c.2092C>A, p.Pro698Thr (NM_000109.4); c.2104C>A, p.Pro702Thr (NM_004009.3); c.1747C>A, p.Pro583Thr (NM_004010.3); short protein forms P698T, P702T, P583T, P706T.
Identifiers: ClinVar variation 3691061 (VCV003691061.2).

ClinVar aggregate classification (germline): Uncertain significance (1 of 4 stars; one submission).

Conditions:
Duchenne muscular dystrophy (DMD). Also called: MUSCULAR DYSTROPHY, PSEUDOHYPERTROPHIC PROGRESSIVE, DUCHENNE TYPE; Duchenne Muscular Dystrophy (DMD). Identifiers: Orphanet 98896, MedGen C0013264, MONDO:0010679, OMIM 310200.

gnomAD v4.1: 2 of 1,210,718 alleles (0.00017%); highest among the groups gnomAD compares: East Asian, 0.003%; no homozygotes.

Submission:

Labcorp Genetics (formerly Invitae), Labcorp
Classification: Uncertain significance for Duchenne muscular dystrophy. Last evaluated: 2025-02-12. Review status: criteria provided, single submitter. Criteria: Invitae Variant Classification Sherloc (09022015). Collection method: clinical testing. Allele origin: germline.
Comment: This sequence change replaces proline, which is neutral and non-polar, with threonine, which is neutral and polar, at codon 706 of the DMD protein (p.Pro706Thr). The frequency data for this variant in the population databases is considered unreliable, as metrics indicate poor data quality at this position in the gnomAD database. This variant has not been reported in the literature in individuals affected with DMD-related conditions. Invitae Evidence Modeling of protein sequence and biophysical properties (such as structural, functional, and spatial information, amino acid conservation, physicochemical variation, residue mobility, and thermodynamic stability) indicates that this missense variant is not expected to disrupt DMD protein function with a negative predictive value of 95%. In summary, the available evidence is currently insufficient to determine the role of this variant in disease. Therefore, it has been classified as a Variant of Uncertain Significance.